The following is an entry in ClinVar:

ClinVar aggregate classification (germline): Benign/Likely benign. Review status: criteria provided, multiple submitters, no conflicts (2 of 4 stars). 3 submissions from 2 submitters: Benign (2); Likely benign (1). Last evaluated 2021-05-12.

Conditions:
Familial spontaneous pneumothorax (PSP). Identifiers: Orphanet 2903, MedGen C1868193, MONDO:0008259, OMIM 173600.
Birt-Hogg-Dube syndrome. Also called: Birt Hogg Dubé syndrome. Identifiers: Orphanet 122, MedGen C0346010, MONDO:0800444.

Allele frequency attached by ClinVar (database versions not stated): gnomAD exomes 0.01960; 1000 Genomes Project 0.02117; 1000 Genomes Project 30x 0.02280; gnomAD 0.02436 and 0.02480; TOPMed 0.02554.
gnomAD v4.1: 8,132 of 378,794 alleles (2.1%); highest among the groups gnomAD compares: African/African-American, 4.1%; 123 homozygotes.

Submissions (3):

GeneDx
Classification: Likely benign. Last evaluated: 2021-05-12. Review status: criteria provided, single submitter. Criteria: GeneDx Variant Classification Process June 2021. Collection method: clinical testing. Allele origin: germline. Affected: yes.

Illumina Laboratory Services, Illumina
Classification: Benign for Familial spontaneous pneumothorax. Last evaluated: 2018-01-12. Review status: criteria provided, single submitter. Criteria: ICSL Variant Classification Criteria 13 December 2019. Collection method: clinical testing. Allele origin: germline.
Comment: This variant was observed in the ICSL laboratory as part of a predisposition screen in an ostensibly healthy population. It had not been previously curated by ICSL or reported in the Human Gene Mutation Database (HGMD: prior to June 1st, 2018), and was therefore a candidate for classification through an automated scoring system. Utilizing variant allele frequency, disease prevalence and penetrance estimates, and inheritance mode, an automated score was calculated to assess if this variant is too frequent to cause the disease. Based on the score and internal cut-off values, a variant classified as benign is not then subjected to further curation. The score for this variant resulted in a classification of benign for this disease.

Illumina Laboratory Services, Illumina
Classification: Benign for Birt-Hogg-Dube syndrome 1. Last evaluated: 2018-01-12. Review status: criteria provided, single submitter. Criteria: ICSL Variant Classification Criteria 13 December 2019. Collection method: clinical testing. Allele origin: germline.
Comment: the same text as in the submission from Illumina Laboratory Services, Illumina above.

NM_144997.7(FLCN):c.*442T>C

Gene: FLCN (folliculin; minus strand). Cytogenetic location: 17p11.2.
Variant type: single nucleotide variant.
Coding change: c.*442T>C on transcript NM_144997.7 (MANE Select); 442 bases downstream of the stop codon, T replaced by C.
Molecular consequence: 3 prime UTR variant.
Genome position (GRCh38, 1-based): chr17:17,213,213, A>G on the plus strand (T>C on the coding strand, the complement: FLCN is on the minus strand). VCF-style: chr17-17213213-A-G. GRCh37 (hg19) VCF-style: chr17-17116527-A-G.
Other names: c.*442T>C (LRG_325t1, NM_001353229.2, NM_001353230.2 and 1 more transcripts).
Identifiers: ClinVar variation 322051 (VCV000322051.6), dbSNP rs7224213, ClinGen allele CA10644967.